The following is an entry in ClinVar:

NM_006744.4(RBP4):c.302C>A (p.Pro101His)

Gene: RBP4 (retinol binding protein 4; minus strand). Cytogenetic location: 10q23.33.
Variant type: single nucleotide variant.
Coding change: c.302C>A on transcript NM_006744.4 (MANE Select); coding-DNA position 302, C replaced by A.
Protein change: p.Pro101His; replaces proline 101 with histidine.
Molecular consequence: missense variant.
Genome position (GRCh38, 1-based): chr10:93,600,446, G>T on the plus strand (C>A on the coding strand, the complement: RBP4 is on the minus strand). VCF-style: chr10-93600446-G-T. GRCh37 (hg19) VCF-style: chr10-95360203-G-T.
Other names: c.302C>A, p.Pro101His (NM_001323517.1); c.296C>A, p.Pro99His (NM_001323518.2); short protein forms P101H, P99H.
Identifiers: ClinVar variation 966812 (VCV000966812.10), dbSNP rs149091963, ClinGen allele CA211557788.
Genomic context (GRCh38, chr10:93,600,446, plus strand): 5'-TACTCACTTCCTTTCTGGAGAAAGGAGGCTACGCCCCAGTACTTCATCTTGAACTTGGCA[G>T]GGTCCTCGGTGTCTGTGAAGGTGCCCACCATGTCTGCGCACACGTCCCAGTTACTGCAAA-3'
Protein context (NP_006735.2, residues 91-111): MVGTFTDTED[Pro101His]AKFKMKYWGV

ClinVar aggregate classification (germline): Uncertain significance. Review status: criteria provided, multiple submitters, no conflicts (2 of 4 stars). 3 submissions from 3 submitters: Uncertain significance (3). Last evaluated 2025-02-28.

Conditions:
Inborn genetic diseases. Identifiers: MedGen C0950123, MeSH D030342.
Microphthalmia, isolated, with coloboma 10 (MCOPCB10). Also called: MICROPHTHALMIA/COLOBOMA 10. Identifiers: Orphanet 98938, MedGen C4225330, MONDO:0014635, OMIM 616428.
Progressive retinal dystrophy due to retinol transport defect. Also called: Retinal dystrophy, iris coloboma, and comedogenic acne syndrome. Identifiers: Orphanet 352718, MedGen C3554593, MONDO:0014060, OMIM 615147.

Allele frequency attached by ClinVar (database versions not stated): gnomAD exomes below 0.00001 and 0.00004; TOPMed 0.00001.
gnomAD v4.1: 61 of 1,614,134 alleles (0.0038%); highest among the groups gnomAD compares: Non-Finnish European, 0.005%; no homozygotes.

Submissions (3):

Ambry Genetics
Classification: Uncertain significance for Inborn genetic diseases. Last evaluated: 2025-02-28. Review status: criteria provided, single submitter. Criteria: Ambry Variant Classification Scheme 2023. Collection method: clinical testing. Allele origin: germline.

Labcorp Genetics (formerly Invitae), Labcorp
Classification: Uncertain significance. Last evaluated: 2023-08-23. Review status: criteria provided, single submitter. Criteria: Invitae Variant Classification Sherloc (09022015). Collection method: clinical testing. Allele origin: germline.
Comment: This sequence change replaces proline, which is neutral and non-polar, with histidine, which is basic and polar, at codon 101 of the RBP4 protein (p.Pro101His). In summary, the available evidence is currently insufficient to determine the role of this variant in disease. Therefore, it has been classified as a Variant of Uncertain Significance. An algorithm developed to predict the effect of missense changes on protein structure and function (PolyPhen-2) suggests that this variant is likely to be disruptive. ClinVar contains an entry for this variant (Variation ID: 966812). This variant has not been reported in the literature in individuals affected with RBP4-related conditions. This variant is present in population databases (rs149091963, gnomAD 0.0009%).

Department of Pathology and Laboratory Medicine, Sinai Health System
Classification: Uncertain significance for Progressive retinal dystrophy due to retinol transport defect; Microphthalmia, isolated, with coloboma 10. Last evaluated: 2023-02-09. Review status: criteria provided, single submitter. Criteria: ACMG Guidelines, 2015. Collection method: research. Allele origin: germline.